The following is an entry in ClinVar:

NM_013266.4(CTNNA3):c.1498A>T (p.Ile500Phe)

Gene: CTNNA3 (catenin alpha 3; minus strand). Cytogenetic location: 10q21.3.
Variant type: single nucleotide variant.
Coding change: c.1498A>T on transcript NM_013266.4 (MANE Select); coding-DNA position 1498, A replaced by T.
Protein change: p.Ile500Phe; replaces isoleucine 500 with phenylalanine.
Molecular consequence: missense variant.
Genome position (GRCh38, 1-based): chr10:66,520,650, T>A on the plus strand (A>T on the coding strand, the complement: CTNNA3 is on the minus strand). VCF-style: chr10-66520650-T-A. GRCh37 (hg19) VCF-style: chr10-68280408-T-A.
Other names: c.1498A>T, p.Ile500Phe (NM_001127384.3); c.1498A>T (NM_013266.2); short protein forms I500F.
Identifiers: ClinVar variation 2959877 (VCV002959877.4), dbSNP rs1212915698, ClinGen allele CA377091256.

ClinVar aggregate classification (germline): Uncertain significance. Review status: criteria provided, multiple submitters, no conflicts (2 of 4 stars). 2 submissions from 2 submitters: Uncertain significance (2). Last evaluated 2024-04-05.

Conditions:
Arrhythmogenic right ventricular dysplasia 13. Also called: ARRHYTHMOGENIC RIGHT VENTRICULAR CARDIOMYOPATHY 13; Arrhythmogenic right ventricular dysplasia, familial, 13. Identifiers: MedGen C3810138, MONDO:0000908, OMIM 615616.

gnomAD v4.1: 1 of 1,610,480 alleles (0.000062%); highest among the groups gnomAD compares: Non-Finnish European, 0.000085%; no homozygotes.

Submissions (2):

Ambry Genetics
Classification: Uncertain significance. Last evaluated: 2024-04-05. Review status: criteria provided, single submitter. Criteria: Ambry Variant Classification Scheme 2023. Collection method: clinical testing. Allele origin: germline.
Comment: The p.I500F variant (also known as c.1498A>T), located in coding exon 10 of the CTNNA3 gene, results from an A to T substitution at nucleotide position 1498. The isoleucine at codon 500 is replaced by phenylalanine, an amino acid with highly similar properties. This amino acid position is conserved. In addition, this alteration is predicted to be deleterious by in silico analysis. Based on the available evidence, the clinical significance of this variant remains unclear.

Labcorp Genetics (formerly Invitae), Labcorp
Classification: Uncertain significance for Arrhythmogenic right ventricular dysplasia 13. Last evaluated: 2023-02-14. Review status: criteria provided, single submitter. Criteria: Invitae Variant Classification Sherloc (09022015). Collection method: clinical testing. Allele origin: germline.
Comment: This sequence change replaces isoleucine, which is neutral and non-polar, with phenylalanine, which is neutral and non-polar, at codon 500 of the CTNNA3 protein (p.Ile500Phe). This variant is not present in population databases (gnomAD no frequency). This variant has not been reported in the literature in individuals affected with CTNNA3-related conditions. Advanced modeling of protein sequence and biophysical properties (such as structural, functional, and spatial information, amino acid conservation, physicochemical variation, residue mobility, and thermodynamic stability) performed at Invitae indicates that this missense variant is not expected to disrupt CTNNA3 protein function. In summary, the available evidence is currently insufficient to determine the role of this variant in disease. Therefore, it has been classified as a Variant of Uncertain Significance.